The following is an entry in ClinVar:

ClinVar aggregate classification (germline): Uncertain significance (1 of 4 stars; one submission).

Allele frequency attached by ClinVar (database versions not stated): gnomAD 0.00001; gnomAD exomes 0.00001.
gnomAD v4.1: 12 of 1,611,054 alleles (0.00074%); highest among the groups gnomAD compares: East Asian, 0.0067%; no homozygotes.

Submission:

Labcorp Genetics (formerly Invitae), Labcorp
Classification: Uncertain significance. Last evaluated: 2022-05-19. Review status: criteria provided, single submitter. Criteria: Invitae Variant Classification Sherloc (09022015). Collection method: clinical testing. Allele origin: germline.
Comment: This variant has not been reported in the literature in individuals affected with RNF43-related conditions. This sequence change replaces asparagine, which is neutral and polar, with serine, which is neutral and polar, at codon 98 of the RNF43 protein (p.Asn98Ser). This variant is present in population databases (no rsID available, gnomAD 0.006%). Algorithms developed to predict the effect of missense changes on protein structure and function are either unavailable or do not agree on the potential impact of this missense change (SIFT: "Tolerated"; PolyPhen-2: "Possibly Damaging"; Align-GVGD: "Class C0"). In summary, the available evidence is currently insufficient to determine the role of this variant in disease. Therefore, it has been classified as a Variant of Uncertain Significance.

NM_017763.6(RNF43):c.293A>G (p.Asn98Ser)

Gene: RNF43 (ring finger protein 43; minus strand). Cytogenetic location: 17q22.
Variant type: single nucleotide variant.
Coding change: c.293A>G on transcript NM_017763.6 (MANE Select); coding-DNA position 293, A replaced by G.
Protein change: p.Asn98Ser; replaces asparagine 98 with serine.
Molecular consequence: missense variant.
Genome position (GRCh38, 1-based): chr17:58,370,993, T>C on the plus strand (A>G on the coding strand, the complement: RNF43 is on the minus strand). VCF-style: chr17-58370993-T-C. GRCh37 (hg19) VCF-style: chr17-56448354-T-C.
Other names: c.293A>G, p.Asn98Ser (NM_001305544.3); c.-89A>G (NM_001305545.2); short protein forms N98S.
Identifiers: ClinVar variation 2181482 (VCV002181482.4), dbSNP rs1323255524, ClinGen allele CA400344067.